The following is an entry in ClinVar:

NM_001242896.3(DEPDC5):c.4630G>A (p.Val1544Ile)

Gene: DEPDC5 (DEP domain containing 5, GATOR1 subcomplex subunit; plus strand). Cytogenetic location: 22q12.3.
Variant type: single nucleotide variant.
Coding change: c.4630G>A on transcript NM_001242896.3 (MANE Select); coding-DNA position 4630, G replaced by A.
Protein change: p.Val1544Ile; replaces valine 1544 with isoleucine.
Molecular consequence: missense variant. On other transcripts: non-coding transcript variant (5).
Genome position (GRCh38, 1-based): chr22:31,906,315, G>A. VCF-style: chr22-31906315-G-A. GRCh37 (hg19) VCF-style: chr22-32302301-G-A.
Other names: c.4603G>A, p.Val1535Ile (NM_001136029.4); c.4330G>A, p.Val1444Ile (NM_001242897.2); c.4564G>A, p.Val1522Ile (NM_001363852.2, NM_001364320.2); c.4396G>A, p.Val1466Ile (NM_001363854.2, NM_001364319.2); c.4630G>A, p.Val1544Ile (NM_001364318.2); c.4546G>A, p.Val1516Ile (NM_001369901.1, NM_001369902.1); c.4537G>A, p.Val1513Ile (NM_001369903.1, NM_014662.6); short protein forms V1444I, V1466I, V1513I, V1516I, V1522I, V1535I, V1544I.
Identifiers: ClinVar variation 1021018 (VCV001021018.8), dbSNP rs768487257, ClinGen allele CA10197302.

ClinVar aggregate classification (germline): Uncertain significance (1 of 4 stars; one submission).

Conditions:
Familial focal epilepsy with variable foci (FPEVF). Identifiers: Orphanet 98820, MedGen C1858477, MONDO:0020310.

Allele frequency attached by ClinVar (database versions not stated): TOPMed below 0.00001; gnomAD 0.00001; ExAC 0.00002; gnomAD exomes 0.00002.

Submission:

Labcorp Genetics (formerly Invitae), Labcorp
Classification: Uncertain significance for Familial focal epilepsy with variable foci. Last evaluated: 2023-11-08. Review status: criteria provided, single submitter. Criteria: Invitae Variant Classification Sherloc (09022015). Collection method: clinical testing. Allele origin: germline.
Comment: This sequence change replaces valine, which is neutral and non-polar, with isoleucine, which is neutral and non-polar, at codon 1544 of the DEPDC5 protein (p.Val1544Ile). This variant is present in population databases (rs768487257, gnomAD 0.02%). This variant has not been reported in the literature in individuals affected with DEPDC5-related conditions. ClinVar contains an entry for this variant (Variation ID: 1021018). Experimental studies and prediction algorithms are not available or were not evaluated, and the functional significance of this variant is currently unknown. In summary, the available evidence is currently insufficient to determine the role of this variant in disease. Therefore, it has been classified as a Variant of Uncertain Significance.